The following is an entry in ClinVar:

NM_014334.4(FRRS1L):c.583G>T (p.Gly195Ter)

Gene: FRRS1L (ferric chelate reductase 1 like; minus strand). Cytogenetic location: 9q31.3.
Variant type: single nucleotide variant.
Coding change: c.583G>T on transcript NM_014334.4 (MANE Select); coding-DNA position 583, G replaced by T.
Protein change: p.Gly195Ter; replaces glycine 195 with a stop codon.
Molecular consequence: nonsense.
Genome position (GRCh38, 1-based): chr9:109,141,469, C>A on the plus strand (G>T on the coding strand, the complement: FRRS1L is on the minus strand). VCF-style: chr9-109141469-C-A. GRCh37 (hg19) VCF-style: chr9-111903749-C-A.
Other names: short protein forms G195*.
Identifiers: ClinVar variation 951389 (VCV000951389.9), dbSNP rs1035742818, ClinGen allele CA197563160.

ClinVar aggregate classification (germline): Pathogenic/Likely pathogenic. Review status: criteria provided, multiple submitters, no conflicts (2 of 4 stars). 2 submissions from 2 submitters: Pathogenic (1); Likely pathogenic (1). Last evaluated 2024-08-08.

Conditions:
Developmental and epileptic encephalopathy, 37 (DEE37). Also called: Epileptic encephalopathy, early infantile, 37. Identifiers: MedGen C4310770, MONDO:0014859, OMIM 616981.

Allele frequency attached by ClinVar (database versions not stated): gnomAD exomes below 0.00001; gnomAD 0.00002; TOPMed 0.00002.
gnomAD v4.1: 8 of 1,613,942 alleles (0.0005%); highest among the groups gnomAD compares: African/African-American, 0.0013%; no homozygotes.

Submissions (2):

GeneDx
Classification: Likely pathogenic. Last evaluated: 2024-08-08. Review status: criteria provided, single submitter. Criteria: GeneDx Variant Classification Process June 2021. Collection method: clinical testing. Allele origin: germline. Affected: yes.
Comment: Nonsense variant predicted to result in protein truncation or nonsense mediated decay in a gene for which loss of function is a known mechanism of disease; Not observed at significant frequency in large population cohorts (gnomAD); Has not been previously published as pathogenic or benign to our knowledge; This variant is associated with the following publications: (PMID: 27535533, 27236917)

Labcorp Genetics (formerly Invitae), Labcorp
Classification: Pathogenic for Developmental and epileptic encephalopathy, 37. Last evaluated: 2023-02-10. Review status: criteria provided, single submitter. Criteria: Invitae Variant Classification Sherloc (09022015). Collection method: clinical testing. Allele origin: germline.
Comment: For these reasons, this variant has been classified as Pathogenic. ClinVar contains an entry for this variant (Variation ID: 951389). This variant has not been reported in the literature in individuals affected with FRRS1L-related conditions. This variant is not present in population databases (gnomAD no frequency). This sequence change creates a premature translational stop signal (p.Gly246*) in the FRRS1L gene. It is expected to result in an absent or disrupted protein product. Loss-of-function variants in FRRS1L are known to be pathogenic (PMID: 27236917).

Literature cited by the submitters: PubMed 27236917 (cited by Labcorp Genetics (formerly Invitae), Labcorp).